The following is an entry in ClinVar:

NM_001148.6(ANK2):c.1060C>T (p.His354Tyr)

Gene: ANK2 (ankyrin 2; plus strand). Cytogenetic location: 4q26.
Variant type: single nucleotide variant.
Coding change: c.1060C>T on transcript NM_001148.6 (MANE Select); coding-DNA position 1060, C replaced by T.
Protein change: p.His354Tyr; replaces histidine 354 with tyrosine.
Molecular consequence: missense variant.
Genome position (GRCh38, 1-based): chr4:113,255,804, C>T. VCF-style: chr4-113255804-C-T. GRCh37 (hg19) VCF-style: chr4-114176960-C-T.
Other names: c.1105C>T, p.His369Tyr (NM_001354230.2, NM_001354231.2, NM_001354237.2 and 5 more transcripts); c.1060C>T, p.His354Tyr (NM_001354232.2, NM_001354235.2, NM_001354236.2 and 9 more transcripts); c.997C>T, p.His333Tyr (NM_001354239.2, NM_001354256.2, NM_001354257.2 and 14 more transcripts); c.973C>T, p.His325Tyr (NM_001354260.2, NM_001354264.2, NM_001354266.2 and 16 more transcripts); c.1018C>T, p.His340Tyr (NM_001354261.2, NM_001386147.1, NM_001386160.1); c.1048C>T, p.His350Tyr (NM_001386148.2, NM_001386186.2, NM_001354269.3); c.1111C>T, p.His371Tyr (NM_001386174.1); c.1087C>T, p.His363Tyr (NM_001386175.1); and 1 more; short protein forms H340Y, H325Y, H369Y, H342Y, H354Y, H363Y, H333Y, H350Y.
Identifiers: ClinVar variation 4096891 (VCV004096891.1).

ClinVar aggregate classification (germline): Uncertain significance (1 of 4 stars; one submission).

Conditions:
Cardiovascular phenotype. Identifiers: MedGen CN230736.

gnomAD v4.1: 4 of 1,614,100 alleles (0.00025%); highest among the groups gnomAD compares: East Asian, 0.0022%; no homozygotes.

Submission:

Ambry Genetics
Classification: Uncertain significance for Cardiovascular phenotype. Last evaluated: 2025-08-30. Review status: criteria provided, single submitter. Criteria: Ambry Variant Classification Scheme 2023. Collection method: clinical testing. Allele origin: germline.
Comment: The p.H354Y variant (also known as c.1060C>T), located in coding exon 11 of the ANK2 gene, results from a C to T substitution at nucleotide position 1060. The histidine at codon 354 is replaced by tyrosine, an amino acid with similar properties. This amino acid position is conserved. In addition, this alteration is predicted to be tolerated by in silico analysis. Based on the available evidence, the clinical significance of this variant remains unclear.